The following is an entry in ClinVar:

NM_025114.4(CEP290):c.289G>T (p.Glu97Ter)

Gene: CEP290 (centrosomal protein 290; minus strand). Cytogenetic location: 12q21.32.
Variant type: single nucleotide variant.
Coding change: c.289G>T on transcript NM_025114.4 (MANE Select); coding-DNA position 289, G replaced by T.
Protein change: p.Glu97Ter; replaces glutamic acid 97 with a stop codon.
Molecular consequence: nonsense.
Genome position (GRCh38, 1-based): chr12:88,139,153, C>A on the plus strand (G>T on the coding strand, the complement: CEP290 is on the minus strand). VCF-style: chr12-88139153-C-A. GRCh37 (hg19) VCF-style: chr12-88532930-C-A.
Other names: short protein forms E97*.
Identifiers: ClinVar variation 56734 (VCV000056734.61), dbSNP rs386834153, ClinGen allele CA144391.

ClinVar aggregate classification (germline): Pathogenic/Likely pathogenic. Review status: criteria provided, multiple submitters, no conflicts (2 of 4 stars). 13 submissions from 12 submitters: Pathogenic (10); Likely pathogenic (1). 2 of the submissions do not count toward it. Last evaluated 2026-01-26.

Conditions:
CEP290-related ciliopathy. Also called: CEP290 ciliopathy. Identifiers: MedGen CN305601, MONDO:0100451.
CEP290-related disorder. Also called: CEP290-related condition; CEP290-related disorders. Identifiers: MedGen CN239314.
Meckel-Gruber syndrome. Also called: DYSENCEPHALIA SPLANCHNOCYSTICA; GRUBER SYNDROME; Dysencephalia splachnocystica. Identifiers: Orphanet 564, MedGen C0265215, MONDO:0018921.
Joubert syndrome. Also called: JOUBERT-BOLTSHAUSER SYNDROME; Familial aplasia of the vermis. Identifiers: Orphanet 475, MedGen C5979921, MONDO:0018772.
Nephronophthisis. Also called: Juvenile Nephronophthisis. Identifiers: Orphanet 655, MedGen C0687120, MONDO:0019005, HP:0000090.
Retinal dystrophy. Also called: Inherited retinal dystrophy. Identifiers: Orphanet 71862, MedGen C0854723, MeSH D058499, MONDO:0019118, HP:0000556.
Leber congenital amaurosis (LCA). Also called: Leber's amaurosis. Identifiers: Orphanet 65, MedGen C0339527, MeSH D057130, MONDO:0018998.
Meckel syndrome, type 4 (MKS4). Also called: MECKEL-GRUBER SYNDROME, TYPE 4. Identifiers: Orphanet 564, MedGen C1970161, MONDO:0012626, OMIM 611134.
Joubert syndrome 5 (JBTS5). Identifiers: Orphanet 2318, MedGen C1857780, MONDO:0012432, OMIM 610188.
Bardet-Biedl syndrome 14 (BBS14). Identifiers: Orphanet 110, MedGen C2673874, MONDO:0014442, OMIM 615991.

Allele frequency attached by ClinVar (database versions not stated): ExAC 0.00003; gnomAD 0.00013.
gnomAD v4.1: 8 of 1,188,814 alleles (0.00067%); highest among the groups gnomAD compares: Non-Finnish European, 0.00081%; no homozygotes.

Submissions (13):

Labcorp Genetics (formerly Invitae), Labcorp
Classification: Pathogenic for Joubert syndrome; Meckel-Gruber syndrome; Nephronophthisis. Last evaluated: 2026-01-26. Review status: criteria provided, single submitter. Criteria: Invitae Variant Classification Sherloc (09022015). Collection method: clinical testing. Allele origin: germline.
Comment: This sequence change creates a premature translational stop signal (p.Glu97*) in the CEP290 gene. It is expected to result in an absent or disrupted protein product. Loss-of-function variants in CEP290 are known to be pathogenic (PMID: 16909394, 17345604, 20690115). The frequency data for this variant in the population databases is considered unreliable, as metrics indicate poor data quality at this position in the gnomAD database. This premature translational stop signal has been observed in individual(s) with Meckel syndrome (PMID: 19466712). ClinVar contains an entry for this variant (Variation ID: 56734). Algorithms developed to predict the effect of sequence changes on RNA splicing suggest that this variant may disrupt the consensus splice site. For these reasons, this variant has been classified as Pathogenic.

Myriad Genetics, Inc.
Classification: Pathogenic for CEP290-related ciliopathy. Last evaluated: 2025-06-02. Review status: criteria provided, single submitter. Criteria: Myriad Autosomal Dominant, Autosomal Recessive and X-Linked Classification Criteria (2023). Collection method: clinical testing. Allele origin: unknown.
Comment: NM_025114.3(CEP290):c.289G>T(E97*) is a nonsense variant classified as pathogenic in the context of CEP290-related disorders. E97* has been observed in cases with relevant disease (PMID: 19466712, 36369640). Relevant functional assessments of this variant are not available in the literature. E97* has been observed in referenced population frequency databases. In summary, NM_025114.3(CEP290):c.289G>T(E97*) is a nonsense variant in a gene where loss of function is a known mechanism of disease, is predicted to disrupt protein function, and has been observed more frequently in cases with the relevant disease than in healthy populations. Please note: this variant was assessed in the context of healthy population screening.

Laboratory of Genetics, Children's Clinical University Hospital Latvia
Classification: Pathogenic. Last evaluated: 2025-02-16. Review status: criteria provided, single submitter. Criteria: ACMG Guidelines, 2015. Collection method: clinical testing. Allele origin: germline. Affected: yes.

Women's Health and Genetics/Laboratory Corporation of America, LabCorp
Classification: Pathogenic for Meckel syndrome, type 4. Last evaluated: 2024-10-18. Review status: criteria provided, single submitter. Criteria: LabCorp Variant Classification Summary - May 2015. Collection method: clinical testing. Allele origin: germline.
Comment: Variant summary: CEP290 c.289G>T (p.Glu97X) results in a premature termination codon, predicted to cause a truncation of the encoded protein or absence of the protein due to nonsense mediated decay, which are commonly known mechanisms for disease. The frequency data for this variant in gnomAD is considered unreliable, as metrics indicate poor data quality at this position. c.289G>T has been reported in the literature in compound heterozygous individuals affected with Meckel Syndrome Type 4 (Tallila_2009, Skorczyk-Werner_2022, Weisschuh_2020). To our knowledge, no experimental evidence demonstrating an impact on protein function has been reported. The following publications have been ascertained in the context of this evaluation (PMID: 31734136, 36369640, 19466712, 32531858). ClinVar contains an entry for this variant (Variation ID: 56734). Based on the evidence outlined above, the variant was classified as pathogenic.

Baylor Genetics
Classification: Pathogenic for Bardet-Biedl syndrome 14. Last evaluated: 2024-03-23. Review status: criteria provided, single submitter. Criteria: ACMG Guidelines, 2015. Collection method: clinical testing. Allele origin: unknown.

Blueprint Genetics
Classification: Pathogenic for CEP290-related disorders. Last evaluated: 2024-03-05. Review status: criteria provided, single submitter. Criteria: ACMG Guidelines, 2015. Collection method: clinical testing. Allele origin: germline. Affected: yes. Observed: 4 variant alleles.

Institute of Human Genetics, University of Leipzig Medical Center
Classification: Pathogenic for Joubert syndrome 5. Last evaluated: 2020-04-14. Review status: criteria provided, single submitter. Criteria: ACMG Guidelines, 2015. Collection method: clinical testing. Allele origin: maternal. Inheritance: Autosomal recessive inheritance. Affected: yes.

CeGaT Center for Human Genetics Tuebingen
Classification: Pathogenic. Last evaluated: 2019-09-01. Review status: criteria provided, single submitter. Criteria: CeGaT Center For Human Genetics Tuebingen Variant Classification Criteria Version 2. Collection method: clinical testing. Allele origin: germline. Affected: yes. Observed: 1 variant allele.

GeneDx
Classification: Likely pathogenic. Last evaluated: 2019-05-21. Review status: criteria provided, single submitter. Criteria: GeneDx Variant Classification Process June 2021. Collection method: clinical testing. Allele origin: germline. Affected: yes.
Comment: Nonsense variant predicted to result in protein truncation or nonsense mediated decay in a gene for which loss-of-function is a known mechanism of disease; This variant is associated with the following publications: (PMID: 31734136, 19466712, 25525159)

Institute of Human Genetics, University of Leipzig Medical Center
Classification: Pathogenic for Meckel syndrome, type 4. Last evaluated: 2019-01-01. Review status: criteria provided, single submitter. Criteria: ACMG Guidelines, 2015. Collection method: clinical testing. Allele origin: unknown. Affected: yes.
Comment: This variant was identified as compound heterozygous.

Institute of Human Genetics, Univ. Regensburg, Univ. Regensburg
Classification: Pathogenic for Retinal dystrophy. Last evaluated: 2013-01-01. Review status: criteria provided, single submitter. Criteria: ACMG Guidelines, 2015. Collection method: clinical testing. Allele origin: germline. Affected: yes.

Natera, Inc.
Classification: Pathogenic for Leber congenital amaurosis. Last evaluated: 2020-09-16. Review status: no assertion criteria provided. Collection method: clinical testing. Allele origin: germline. Not counted in ClinVar's aggregate classification.

Juha Muilu Group; Institute for Molecular Medicine Finland (FIMM)
Classification: Likely pathogenic for Meckel syndrome type 4. Review status: no assertion criteria provided. Collection method: not provided. Allele origin: unknown. Not counted in ClinVar's aggregate classification.
Comment: FinDis database variant: This variant was not found or characterized by our laboratory, data were collected from public sources: see reference
ClinVar note: Converted during submission from probable-pathogenic to Likely pathogenic.

Literature cited by the submitters: PubMed 16909394 (cited by Labcorp Genetics (formerly Invitae), Labcorp); PubMed 17345604 (cited by Labcorp Genetics (formerly Invitae), Labcorp); PubMed 20690115 (cited by Labcorp Genetics (formerly Invitae), Labcorp); PubMed 19466712 (cited by 4 submitters); PubMed 36369640 (cited by 3 submitters); PubMed 32531858 (cited by Women's Health and Genetics/Laboratory Corporation of America, LabCorp and Institute of Human Genetics, Univ. Regensburg, Univ. Regensburg); PubMed 31734136 (cited by Women's Health and Genetics/Laboratory Corporation of America, LabCorp and Institute of Human Genetics, Univ. Regensburg, Univ. Regensburg); PubMed 25525159 (cited by Institute of Human Genetics, Univ. Regensburg, Univ. Regensburg); PubMed 31964843 (cited by Institute of Human Genetics, Univ. Regensburg, Univ. Regensburg).